The following is an entry in ClinVar:

NM_000218.3(KCNQ1):c.1819G>T (p.Ala607Ser)

Genes: KCNQ1 (potassium voltage-gated channel subfamily Q member 1; plus strand), KCNQ1-AS1 (KCNQ1 antisense RNA 1; minus strand). Cytogenetic location: 11p15.4.
Variant type: single nucleotide variant.
Coding change: c.1819G>T on transcript NM_000218.3 (MANE Select); coding-DNA position 1819, G replaced by T.
Protein change: p.Ala607Ser; replaces alanine 607 with serine.
Molecular consequence: missense variant.
Genome position (GRCh38, 1-based): chr11:2,847,791, G>T. VCF-style: chr11-2847791-G-T. GRCh37 (hg19) VCF-style: chr11-2869021-G-T.
Other names: c.1723G>T, p.Ala575Ser (NM_001406836.1); c.1549G>T, p.Ala517Ser (NM_001406837.1); c.1279G>T, p.Ala427Ser (NM_001406838.1); c.331G>T, p.Ala111Ser (NM_001406839.1); c.1438G>T, p.Ala480Ser (NM_181798.2); short protein forms A517S, A607S, A480S, A427S, A111S, A575S.
Identifiers: ClinVar variation 2587407 (VCV002587407.2), dbSNP rs1253808998, ClinGen allele CA379140225.

ClinVar aggregate classification (germline): Uncertain significance (1 of 4 stars; one submission).

Conditions:
Cardiovascular phenotype. Identifiers: MedGen CN230736.

Submission:

Ambry Genetics
Classification: Uncertain significance for Cardiovascular phenotype. Last evaluated: 2023-08-24. Review status: criteria provided, single submitter. Criteria: Ambry Variant Classification Scheme 2023. Collection method: clinical testing. Allele origin: germline.
Comment: The p.A607S variant (also known as c.1819G>T), located in coding exon 16 of the KCNQ1 gene, results from a G to T substitution at nucleotide position 1819. The alanine at codon 607 is replaced by serine, an amino acid with similar properties. This amino acid position is poorly conserved in available vertebrate species. In addition, the in silico prediction for this alteration is inconclusive. Since supporting evidence is limited at this time, the clinical significance of this alteration remains unclear.